The following is an entry in ClinVar:

NM_000797.4(DRD4):c.1074_1075delinsGG (p.Cys358_Trp359delinsTrpGly)

Gene: DRD4 (dopamine receptor D4; plus strand). Cytogenetic location: 11p15.5.
Variant type: Indel.
Coding change: c.1074_1075delinsGG on transcript NM_000797.4 (MANE Select); coding-DNA positions 1074 to 1075, CT replaced by GG.
Protein change: p.Cys358_Trp359delinsTrpGly.
Molecular consequence: missense variant.
Genome position (GRCh38, 1-based): chr11:640,417-640,418, CT replaced by GG. VCF-style: chr11-640417-CT-GG. GRCh37 (hg19) VCF-style: chr11-640417-CT-GG.
Identifiers: ClinVar variation 265101 (VCV000265101.2), dbSNP rs886039342, ClinGen allele CA10588525.

ClinVar aggregate classification (germline): Uncertain significance (1 of 4 stars; one submission).

Submission:

GeneDx
Classification: Uncertain significance. Last evaluated: 2015-12-24. Review status: criteria provided, single submitter. Criteria: GeneDx Variant Classification (06012015). Collection method: clinical testing. Allele origin: germline. Affected: yes.
Comment: The c.1074_1075delCTinsGG variant in the DRD4 gene has not been published as a pathogenic variant, nor has it been reported as a benign variant to our knowledge. The c.1074_1075delCTinsGG variant causes an in-frame substitution of Cysteine 358 and Tryptophan 359 with a Tryptophan and Glycine residue, respectively, denoted p.Cys358_Trp359delinsTrpGly. The Cysteine 358 and Tryptophan 359 residues are conserved across species. The c.1074_1075delCTinsGG variant was not observed in approximately 6,500 individuals of European and African American ancestry in the NHLBI Exome Sequencing Project, indicating it is not a common benign variant in these populations. We interpret c.1074_1075delCTinsGG as a variant of uncertain significance.